The following is an entry in ClinVar:

ClinVar aggregate classification (germline): Pathogenic (1 of 4 stars; one submission).

Submission:

CeGaT Center for Human Genetics Tuebingen
Classification: Pathogenic. Last evaluated: 2024-02-01. Review status: criteria provided, single submitter. Criteria: CeGaT Center For Human Genetics Tuebingen Variant Classification Criteria Version 2. Collection method: clinical testing. Allele origin: germline. Affected: yes. Observed: 1 variant allele.
Comment: FOCAD: PVS1, PM2

NM_001375567.1(FOCAD):c.4051+2T>C

Gene: FOCAD (focadhesin; plus strand). Cytogenetic location: 9p21.3.
Variant type: single nucleotide variant.
Coding change: c.4051+2T>C on transcript NM_001375567.1 (MANE Select); the canonical splice donor site of the intron after coding-DNA position 4051, T replaced by C.
Molecular consequence: splice donor variant.
Genome position (GRCh38, 1-based): chr9:20,951,100, T>C. VCF-style: chr9-20951100-T-C. GRCh37 (hg19) VCF-style: chr9-20951099-T-C.
Other names: c.4051+2T>C (NM_017794.5); c.3946+2T>C (NM_001375568.1, NM_001375570.1).
Identifiers: ClinVar variation 3027283 (VCV003027283.22), dbSNP rs2492625531, ClinGen allele CA373054322.